The following is an entry in ClinVar:

NM_001605.3(AARS1):c.461A>G (p.Gln154Arg)

Gene: AARS1 (alanyl-tRNA synthetase 1; minus strand). Cytogenetic location: 16q22.1.
Variant type: single nucleotide variant.
Coding change: c.461A>G on transcript NM_001605.3 (MANE Select); coding-DNA position 461, A replaced by G.
Protein change: p.Gln154Arg; replaces glutamine 154 with arginine.
Molecular consequence: missense variant.
Genome position (GRCh38, 1-based): chr16:70,276,504, T>C on the plus strand (A>G on the coding strand, the complement: AARS1 is on the minus strand). VCF-style: chr16-70276504-T-C. GRCh37 (hg19) VCF-style: chr16-70310407-T-C.
Other names: short protein forms Q154R.
Identifiers: ClinVar variation 2186184 (VCV002186184.5), dbSNP rs1409399740, ClinGen allele CA396568567.

ClinVar aggregate classification (germline): Uncertain significance. Review status: criteria provided, multiple submitters, no conflicts (2 of 4 stars). 2 submissions from 2 submitters: Uncertain significance (2). Last evaluated 2022-04-24.

Conditions:
Charcot-Marie-Tooth disease type 2. Also called: Charcot-Marie-Tooth type 2. Identifiers: Orphanet 64746, MedGen C0270914, MONDO:0018993.

Allele frequency attached by ClinVar (database versions not stated): gnomAD exomes below 0.00001; TOPMed below 0.00001.
gnomAD v4.1: 3 of 1,614,120 alleles (0.00019%); highest among the groups gnomAD compares: Non-Finnish European, 0.000085%; no homozygotes.

Submissions (2):

Labcorp Genetics (formerly Invitae), Labcorp
Classification: Uncertain significance for Charcot-Marie-Tooth disease type 2. Last evaluated: 2022-04-24. Review status: criteria provided, single submitter. Criteria: Invitae Variant Classification Sherloc (09022015). Collection method: clinical testing. Allele origin: germline.
Comment: This variant has not been reported in the literature in individuals affected with AARS-related conditions. This sequence change replaces glutamine, which is neutral and polar, with arginine, which is basic and polar, at codon 154 of the AARS protein (p.Gln154Arg). This variant is present in population databases (no rsID available, gnomAD no frequency). Algorithms developed to predict the effect of missense changes on protein structure and function are either unavailable or do not agree on the potential impact of this missense change (SIFT: "Deleterious"; PolyPhen-2: "Probably Damaging"; Align-GVGD: "Class C0"). In summary, the available evidence is currently insufficient to determine the role of this variant in disease. Therefore, it has been classified as a Variant of Uncertain Significance.

Blueprint Genetics
Classification: Uncertain significance. Last evaluated: 2022-01-17. Review status: criteria provided, single submitter. Criteria: ACMG Guidelines, 2015. Collection method: clinical testing. Allele origin: germline.